The following is an entry in ClinVar:

ClinVar aggregate classification (germline): Uncertain significance. Review status: criteria provided, multiple submitters, no conflicts (2 of 4 stars). 3 submissions from 3 submitters: Uncertain significance (3). Last evaluated 2026-02-01.

Conditions:
Inborn genetic diseases. Identifiers: MedGen C0950123, MeSH D030342.

Allele frequency attached by ClinVar (database versions not stated): TOPMed 0.00007; ExAC 0.00009; gnomAD 0.00009; 1000 Genomes Project 30x 0.00016; 1000 Genomes Project 0.00020; ESP Exome Variant Server 0.00023; gnomAD exomes 0.00006 and 0.00007.

Submissions (3):

Labcorp Genetics (formerly Invitae), Labcorp
Classification: Uncertain significance. Last evaluated: 2026-02-01. Review status: criteria provided, single submitter. Criteria: Invitae Variant Classification Sherloc (09022015). Collection method: clinical testing. Allele origin: germline.
Comment: This sequence change replaces methionine, which is neutral and non-polar, with isoleucine, which is neutral and non-polar, at codon 481 of the TECTA protein (p.Met481Ile). This variant is present in population databases (rs144362937, gnomAD 0.01%). This variant has not been reported in the literature in individuals affected with TECTA-related conditions. ClinVar contains an entry for this variant (Variation ID: 1214874). Invitae Evidence Modeling of protein sequence and biophysical properties (such as structural, functional, and spatial information, amino acid conservation, physicochemical variation, residue mobility, and thermodynamic stability) indicates that this missense variant is not expected to disrupt TECTA protein function with a negative predictive value of 95%. In summary, the available evidence is currently insufficient to determine the role of this variant in disease. Therefore, it has been classified as a Variant of Uncertain Significance.

Ambry Genetics
Classification: Uncertain significance for Inborn genetic diseases. Last evaluated: 2025-06-19. Review status: criteria provided, single submitter. Criteria: Ambry Variant Classification Scheme 2023. Collection method: clinical testing. Allele origin: germline.

GeneDx
Classification: Uncertain significance. Last evaluated: 2020-03-11. Review status: criteria provided, single submitter. Criteria: GeneDx Variant Classification Process June 2021. Collection method: clinical testing. Allele origin: germline. Affected: yes.
Comment: In silico analysis, which includes protein predictors and evolutionary conservation, supports that this variant does not alter protein structure/function; Has not been previously published as pathogenic or benign to our knowledge

NM_005422.4(TECTA):c.1443G>A (p.Met481Ile)

Genes: TBCEL-TECTA (TBCEL-TECTA readthrough; plus strand), TECTA (tectorin alpha; plus strand). Cytogenetic location: 11q23.3.
Variant type: single nucleotide variant.
Coding change: c.1443G>A on transcript NM_005422.4 (MANE Select); coding-DNA position 1443, G replaced by A.
Protein change: p.Met481Ile; replaces methionine 481 with isoleucine.
Molecular consequence: missense variant.
Genome position (GRCh38, 1-based): chr11:121,125,541, G>A. VCF-style: chr11-121125541-G-A. GRCh37 (hg19) VCF-style: chr11-120996250-G-A.
Other names: c.2400G>A, p.Met800Ile (NM_001378761.1); short protein forms M481I, M800I.
Identifiers: ClinVar variation 1214874 (VCV001214874.9), dbSNP rs144362937, ClinGen allele CA6326749.